The following is an entry in ClinVar:

ClinVar aggregate classification (germline): Uncertain significance (1 of 4 stars; one submission).

Conditions:
Hereditary breast ovarian cancer syndrome. Also called: Hereditary breast and ovarian cancer syndrome; Hereditary breast and/or ovarian cancer syndrome; Hereditary breast and ovarian cancer; Breast and ovarian cancer; Hereditary breast and ovarian cancer syndrome (HBOC); BRCA1- and BRCA2-Associated Hereditary Breast and Ovarian Cancer. Identifiers: Orphanet 145, MedGen C0677776, MeSH D061325, MONDO:0003582. Disease mechanism: loss of function.

Submission:

Labcorp Genetics (formerly Invitae), Labcorp
Classification: Uncertain significance for Hereditary breast ovarian cancer syndrome. Last evaluated: 2024-08-13. Review status: criteria provided, single submitter. Criteria: Invitae Variant Classification Sherloc (09022015). Collection method: clinical testing. Allele origin: germline.
Comment: This variant occurs in a non-coding region of the BRCA2 gene. It does not change the encoded amino acid sequence of the BRCA2 protein. This variant is not present in population databases (gnomAD no frequency). This variant has not been reported in the literature in individuals affected with BRCA2-related conditions. In summary, the available evidence is currently insufficient to determine the role of this variant in disease. Therefore, it has been classified as a Variant of Uncertain Significance.

NM_000059.4(BRCA2):c.-57A>T

Genes: BRCA2 (BRCA2 DNA repair associated; plus strand), LOC106721785 (BRCA2 promoter/silencer region; plus strand). Cytogenetic location: 13q13.1.
Variant type: single nucleotide variant.
Coding change: c.-57A>T on transcript NM_000059.4 (MANE Select); 57 bases upstream of the start codon, A replaced by T.
Molecular consequence: 5 prime UTR variant. On other transcripts: non-coding transcript variant (1), intron variant (1).
Genome position (GRCh38, 1-based): chr13:32,315,650, A>T. VCF-style: chr13-32315650-A-T. GRCh37 (hg19) VCF-style: chr13-32889787-A-T.
Other names: c.-57A>T (NM_001406719.1, NM_001406720.1, NM_001406721.1); c.-320A>T (NM_001406722.1); c.-40+505A>T (NM_001432077.1).
Identifiers: ClinVar variation 3662213 (VCV003662213.2).
Genomic context (GRCh38, chr13:32,315,650, plus strand): 5'-CGTGAGGGGACAGATTTGTGACCGGCGCGGTTTTTGTCAGCTTACTCCGGCCAAAAAAGA[A>T]CTGCACCTCTGGAGCGGGTTAGTGGTGGTGGTAGTGGGTTGGGACGAGCGCGTCTTCCGC-3'